The following is an entry in ClinVar:

ClinVar aggregate classification (germline): Benign. Review status: reviewed by expert panel (3 of 4 stars). 6 submissions from 6 submitters: Benign (1). 5 of the submissions do not count toward it. Last evaluated 2025-03-18.

Conditions:
Cerebral creatine deficiency syndrome. Also called: Creatine deficiency syndromes. Identifiers: Orphanet 79172, MedGen C5244016, MONDO:0000456.
Deficiency of guanidinoacetate methyltransferase (CCDS2). Also called: GAMT DEFICIENCY; Guanidinoacetate Methyltransferase (GAMT) Deficiency; CEREBRAL CREATINE DEFICIENCY SYNDROME 2. Identifiers: Orphanet 382, MedGen C0574080, MONDO:0012999, OMIM 612736.

Allele frequency attached by ClinVar (database versions not stated): gnomAD 0.00001 and 0.00014; 1000 Genomes Project 30x 0.00078; TOPMed 0.00002; gnomAD exomes 0.00012; ExAC 0.00035; 1000 Genomes Project 0.00100.
gnomAD v4.1: 537 of 1,605,756 alleles (0.033%); highest among the groups gnomAD compares: East Asian, 1.2%; 6 homozygotes.

Submissions (6):

ClinGen Cerebral Creatine Deficiency Syndromes Variant Curation Expert Panel, ClinGen
Classification: Benign for Deficiency of guanidinoacetate methyltransferase. Last evaluated: 2025-03-18. Review status: reviewed by expert panel. Criteria: ClinGen CCDS ACMG Specifications GAMT V2.0.0. Collection method: curation. Allele origin: germline. Inheritance: Autosomal recessive inheritance.
Comment: The NM_000156.6:c.182G>A variant in GAMT is a missense variant that is predicted to cause the substitution of a glycine by a glutamate at amino acid position 61 (p.Gly61Glu). To our knowledge, this variant has not been reported among individuals with GAMT deficiency and results of functional studies are unavailable. The GrpMax filtering allele frequency (95% confidence) in gnomAD v4.1.0. is 0.01102 in the East Asian population, including 6 homozygotes. This is higher than the ClinGen CCDS VCEP threshold for BA1 (>0.003), meeting this criterion (BA1). There is a ClinVar entry for this variant (Variation ID: 328350). In summary, this variant meets the criteria to be classified as benign for GAMT deficiency based on the ACMG/AMP criteria applied, as specified by the ClinGen Cerebral Creatine Deficiency Syndromes Variant Curation Expert Panel (Specifications Version 2.0.0): BA1. (Classification approved by the ClinGen Cerebral Creatine Deficiencies Variant Curation Expert Panel on March 18, 2025)

Fulgent Genetics
Classification: Uncertain significance for Deficiency of guanidinoacetate methyltransferase. Last evaluated: 2024-04-15. Review status: criteria provided, single submitter. Criteria: ACMG Guidelines, 2015. Collection method: clinical testing. Allele origin: germline. Not counted in ClinVar's aggregate classification.

Labcorp Genetics (formerly Invitae), Labcorp
Classification: Uncertain significance for Cerebral creatine deficiency syndrome. Last evaluated: 2022-06-03. Review status: criteria provided, single submitter. Criteria: Invitae Variant Classification Sherloc (09022015). Collection method: clinical testing. Allele origin: germline. Not counted in ClinVar's aggregate classification.
Comment: This sequence change replaces glycine, which is neutral and non-polar, with glutamic acid, which is acidic and polar, at codon 61 of the GAMT protein (p.Gly61Glu). This variant is present in population databases (rs77168423, gnomAD 0.2%). This variant has not been reported in the literature in individuals affected with GAMT-related conditions. ClinVar contains an entry for this variant (Variation ID: 328350). Algorithms developed to predict the effect of missense changes on protein structure and function are either unavailable or do not agree on the potential impact of this missense change (SIFT: "Deleterious"; PolyPhen-2: "Probably Damaging"; Align-GVGD: "Class C0"). Algorithms developed to predict the effect of sequence changes on RNA splicing suggest that this variant may disrupt the consensus splice site. In summary, the available evidence is currently insufficient to determine the role of this variant in disease. Therefore, it has been classified as a Variant of Uncertain Significance.

GeneDx
Classification: Uncertain significance. Last evaluated: 2020-06-10. Review status: criteria provided, single submitter. Criteria: GeneDx Variant Classification Process June 2021. Collection method: clinical testing. Allele origin: germline. Affected: yes. Not counted in ClinVar's aggregate classification.
Comment: In silico analysis supports that this missense variant has a deleterious effect on protein structure/function; Has not been previously published as pathogenic or benign to our knowledge

Illumina Laboratory Services, Illumina
Classification: Likely benign for Deficiency of guanidinoacetate methyltransferase. Last evaluated: 2018-01-12. Review status: criteria provided, single submitter. Criteria: ICSL Variant Classification Criteria 13 December 2019. Collection method: clinical testing. Allele origin: germline. Not counted in ClinVar's aggregate classification.
Comment: This variant was observed in the ICSL laboratory as part of a predisposition screen in an ostensibly healthy population. It had not been previously curated by ICSL or reported in the Human Gene Mutation Database (HGMD: prior to June 1st, 2018), and was therefore a candidate for classification through an automated scoring system. Utilizing variant allele frequency, disease prevalence and penetrance estimates, and inheritance mode, an automated score was calculated to assess if this variant is too frequent to cause the disease. Based on the score and internal cut-off values, a variant classified as likely benign is not then subjected to further curation. The score for this variant resulted in a classification of likely benign for this disease.

Natera, Inc.
Classification: Uncertain significance for Guanidinoacetate methyltransferase deficiency. Last evaluated: 2020-01-07. Review status: no assertion criteria provided. Collection method: clinical testing. Allele origin: germline. Not counted in ClinVar's aggregate classification.

NM_000156.6(GAMT):c.182G>A (p.Gly61Glu)

Gene: GAMT (guanidinoacetate N-methyltransferase; minus strand). Cytogenetic location: 19p13.3.
Variant type: single nucleotide variant.
Coding change: c.182G>A on transcript NM_000156.6 (MANE Select); coding-DNA position 182, G replaced by A.
Protein change: p.Gly61Glu; replaces glycine 61 with glutamic acid.
Molecular consequence: missense variant.
Genome position (GRCh38, 1-based): chr19:1,399,938, C>T on the plus strand (G>A on the coding strand, the complement: GAMT is on the minus strand). VCF-style: chr19-1399938-C-T. GRCh37 (hg19) VCF-style: chr19-1399937-C-T.
Other names: NM_000156.6(GAMT):c.182G>A; p.Gly61Glu; c.182G>A, p.Gly61Glu (NM_138924.3); short protein forms G61E.
Identifiers: ClinVar variation 328350 (VCV000328350.12), dbSNP rs77168423, ClinGen allele CA9043773.
Genomic context (GRCh38, chr19:1,399,938, plus strand): 5'-GCCTCCTGCACCTTTGACGCTGCGATGGCCATGCCAAAGCCCACCTCCAGGACCCGGCCC[C>T]CTGGGCAGACACAGGGCGCCTGGCATCACTAGGTGGGGCGGGCTTAGGAGGCTGCCTGGA-3'
Protein context (NP_000147.1, residues 51-71): HALAAAASSK[Gly61Glu]GRVLEVGFGM